The following is an entry in ClinVar:

NC_000009.11:g.(?_140052948)_(140058289_?)del

Gene: GRIN1 (glutamate ionotropic receptor NMDA type subunit 1; plus strand). Cytogenetic location: 9q34.3.
Variant type: Deletion.
Identifiers: ClinVar variation 3245249 (VCV003245249.1).

ClinVar aggregate classification (germline): Uncertain significance (1 of 4 stars; one submission).

Conditions:
Neurodevelopmental disorder with or without hyperkinetic movements and seizures, autosomal dominant. Also called: Intellectual disability, autosomal dominant 8. Identifiers: MedGen C3280282, MONDO:0013655, OMIM 614254.

Submission:

Labcorp Genetics (formerly Invitae), Labcorp
Classification: Uncertain significance for Neurodevelopmental disorder with or without hyperkinetic movements and seizures, autosomal dominant. Last evaluated: 2023-03-13. Review status: criteria provided, single submitter. Criteria: Invitae Variant Classification Sherloc (09022015). Collection method: clinical testing. Allele origin: unknown.
Comment: In summary, the available evidence is currently insufficient to determine the role of this variant in disease. Therefore, it has been classified as a Variant of Uncertain Significance. Experimental studies and prediction algorithms are not available or were not evaluated, and the functional significance of this variant is currently unknown. This variant has not been reported in the literature in individuals affected with GRIN1-related conditions. This variant results in the deletion of part of exon 7, exons 8-17 and part of exon 18 c.1086_2522del of the GRIN1 gene. This variant would be expected to be in-frame, preserving the integrity of the reading frame.